The following is an entry in ClinVar:

NM_001352186.2(ANKS1B):c.2760G>A (p.Trp920Ter)

Gene: ANKS1B (ankyrin repeat and sterile alpha motif domain containing 1B; minus strand). Cytogenetic location: 12q23.1.
Variant type: single nucleotide variant.
Coding change: c.2760G>A on transcript NM_001352186.2 (MANE Select); coding-DNA position 2760, G replaced by A.
Protein change: p.Trp920Ter; replaces tryptophan 920 with a stop codon.
Molecular consequence: nonsense.
Genome position (GRCh38, 1-based): chr12:99,053,175, C>T on the plus strand (G>A on the coding strand, the complement: ANKS1B is on the minus strand). VCF-style: chr12-99053175-C-T. GRCh37 (hg19) VCF-style: chr12-99446953-C-T.
Other names: c.267G>A, p.Trp89Ter (NM_001204066.2, NM_001352191.2, NM_001352192.2 and 1 more transcripts); c.345G>A, p.Trp115Ter (NM_001204067.2, NM_001352189.1, NM_001352190.1); c.438G>A, p.Trp146Ter (NM_001204068.2, NM_001204069.2, NM_001204070.2 and 15 more transcripts); c.2760G>A, p.Trp920Ter (NM_001352185.1, NM_001352187.1, NM_001352188.1 and 1 more transcripts); short protein forms W115*, W146*, W89*, W920*.
Identifiers: ClinVar variation 3600413 (VCV003600413.1).

ClinVar aggregate classification (germline): Uncertain significance (1 of 4 stars; one submission).

Conditions:
ANKS1B-related neurodevelopmental disorder.

Submission:

Clinical Genomics Laboratory, Washington University in St. Louis
Classification: Uncertain significance for ANKS1B-related neurodevelopmental disorder. Last evaluated: 2024-08-08. Review status: criteria provided, single submitter. Criteria: ACMG Guidelines, 2015. Collection method: clinical testing. Allele origin: germline.
Comment: The ANKS1B c.2760G>A (p.Trp920*) variant, to our knowledge, has not been reported in the medical literature and is absent from the general population (gnomAD v.2.1.1), indicating it is not a common variant. This variant causes a stop gain, which is predicted to lead to nonsense mediated decay and loss-of-function. Due to limited information, the clinical significance of this variant in uncertain at this time.